The following is an entry in ClinVar:

ClinVar aggregate classification (germline): Likely benign. Review status: criteria provided, multiple submitters, no conflicts (2 of 4 stars). 3 submissions from 3 submitters: Likely benign (2). 1 of the submissions does not count toward it. Last evaluated 2026-09-01.

Conditions:
KMT2B-related disorder. Also called: KMT2B-related condition; KMT2B-related disorders. Identifiers: MedGen CN381338.

Allele frequency attached by ClinVar (database versions not stated): ExAC 0.00008; ESP Exome Variant Server 0.00008; gnomAD 0.00009.
gnomAD v4.1: 268 of 1,610,168 alleles (0.017%); highest among the groups gnomAD compares: Non-Finnish European, 0.021%; no homozygotes.

Submissions (3):

CeGaT Center for Human Genetics Tuebingen
Classification: Likely benign. Last evaluated: 2026-09-01. Review status: criteria provided, single submitter. Criteria: CeGaT Center For Human Genetics Tuebingen Variant Classification Criteria Version 2. Collection method: clinical testing. Allele origin: germline. Affected: yes. Observed: 1 variant allele.
Comment: KMT2B: BP4, BP7

Labcorp Genetics (formerly Invitae), Labcorp
Classification: Likely benign. Last evaluated: 2025-10-15. Review status: criteria provided, single submitter. Criteria: Invitae Variant Classification Sherloc (09022015). Collection method: clinical testing. Allele origin: germline.

PreventionGenetics, part of Exact Sciences
Classification: Likely benign for KMT2B-related condition. Last evaluated: 2019-04-09. Review status: no assertion criteria provided. Collection method: clinical testing. Allele origin: germline. Not counted in ClinVar's aggregate classification.
Comment: This variant is classified as likely benign based on ACMG/AMP sequence variant interpretation guidelines (Richards et al. 2015 PMID: 25741868, with internal and published modifications).

NM_014727.3(KMT2B):c.6339T>C (p.Ile2113=)

Gene: KMT2B (lysine methyltransferase 2B; plus strand). Cytogenetic location: 19q13.12.
Variant type: single nucleotide variant.
Coding change: c.6339T>C on transcript NM_014727.3 (MANE Select); coding-DNA position 6339, T replaced by C.
Protein change: p.Ile2113=; no amino-acid change (isoleucine 2113 retained).
Molecular consequence: synonymous variant.
Genome position (GRCh38, 1-based): chr19:35,732,888, T>C. VCF-style: chr19-35732888-T-C. GRCh37 (hg19) VCF-style: chr19-36223789-T-C.
Identifiers: ClinVar variation 3044229 (VCV003044229.5), dbSNP rs369549803, ClinGen allele CA9385670.